The following is an entry in ClinVar:

NM_022437.3(ABCG8):c.1595T>A (p.Phe532Tyr)

Gene: ABCG8 (ATP binding cassette subfamily G member 8; plus strand). Cytogenetic location: 2p21.
Variant type: single nucleotide variant.
Coding change: c.1595T>A on transcript NM_022437.3 (MANE Select); coding-DNA position 1595, T replaced by A.
Protein change: p.Phe532Tyr; replaces phenylalanine 532 with tyrosine.
Molecular consequence: missense variant.
Genome position (GRCh38, 1-based): chr2:43,875,252, T>A. VCF-style: chr2-43875252-T-A. GRCh37 (hg19) VCF-style: chr2-44102391-T-A.
Other names: c.1592T>A, p.Phe531Tyr (NM_001357321.2); short protein forms F531Y, F532Y.
Identifiers: ClinVar variation 3992641 (VCV003992641.1).

ClinVar aggregate classification (germline): Uncertain significance (1 of 4 stars; one submission).

Conditions:
Cardiovascular phenotype. Identifiers: MedGen CN230736.

Submission:

Ambry Genetics
Classification: Uncertain significance for Cardiovascular phenotype. Last evaluated: 2025-04-13. Review status: criteria provided, single submitter. Criteria: Ambry Variant Classification Scheme 2023. Collection method: clinical testing. Allele origin: germline.
Comment: The p.F532Y variant (also known as c.1595T>A), located in coding exon 11 of the ABCG8 gene, results from a T to A substitution at nucleotide position 1595. The phenylalanine at codon 532 is replaced by tyrosine, an amino acid with highly similar properties. This amino acid position is conserved. In addition, the in silico prediction for this alteration is inconclusive. Based on the available evidence, the clinical significance of this variant remains unclear.